The following is an entry in ClinVar:

ClinVar aggregate classification (germline): Benign/Likely benign. Review status: criteria provided, multiple submitters, no conflicts (2 of 4 stars). 5 submissions from 5 submitters: Benign (1); Likely benign (3). 1 of the submissions does not count toward it. Last evaluated 2026-07-01.

Conditions:
RAB3GAP1-related disorder. Also called: RAB3GAP1-related disorders; RAB3GAP1-related condition.

Allele frequency attached by ClinVar (database versions not stated): gnomAD 0.00005 and 0.00006; gnomAD exomes 0.00011 and 0.00051; TOPMed 0.00031; ExAC 0.00036.
gnomAD v4.1: 158 of 1,609,982 alleles (0.0098%); highest among the groups gnomAD compares: Admixed American, 0.26%; 2 homozygotes.

Submissions (5):

CeGaT Center for Human Genetics Tuebingen
Classification: Likely benign. Last evaluated: 2026-07-01. Review status: criteria provided, single submitter. Criteria: CeGaT Center For Human Genetics Tuebingen Variant Classification Criteria Version 2. Collection method: clinical testing. Allele origin: germline. Affected: yes. Observed: 3 variant alleles.
Comment: RAB3GAP1: BP4, BP7

Labcorp Genetics (formerly Invitae), Labcorp
Classification: Benign. Last evaluated: 2025-10-13. Review status: criteria provided, single submitter. Criteria: Invitae Variant Classification Sherloc (09022015). Collection method: clinical testing. Allele origin: germline.

Blueprint Genetics
Classification: Likely benign. Last evaluated: 2022-07-27. Review status: criteria provided, single submitter. Criteria: ACMG Guidelines, 2015. Collection method: clinical testing. Allele origin: germline.

GeneDx
Classification: Likely benign. Last evaluated: 2020-09-08. Review status: criteria provided, single submitter. Criteria: GeneDx Variant Classification Process June 2021. Collection method: clinical testing. Allele origin: germline. Affected: yes.

PreventionGenetics, part of Exact Sciences
Classification: Likely benign for RAB3GAP1-related condition. Last evaluated: 2022-03-09. Review status: no assertion criteria provided. Collection method: clinical testing. Allele origin: germline. Not counted in ClinVar's aggregate classification.
Comment: This variant is classified as likely benign based on ACMG/AMP sequence variant interpretation guidelines (Richards et al. 2015 PMID: 25741868, with internal and published modifications).

NM_012233.3(RAB3GAP1):c.639A>G (p.Lys213=)

Gene: RAB3GAP1 (RAB3 GTPase activating protein catalytic subunit 1; plus strand). Cytogenetic location: 2q21.3.
Variant type: single nucleotide variant.
Coding change: c.639A>G on transcript NM_012233.3 (MANE Select); coding-DNA position 639, A replaced by G.
Protein change: p.Lys213=; no amino-acid change (lysine 213 retained).
Molecular consequence: synonymous variant.
Genome position (GRCh38, 1-based): chr2:135,115,372, A>G. VCF-style: chr2-135115372-A-G. GRCh37 (hg19) VCF-style: chr2-135872942-A-G.
Other names: c.639A>G, p.Lys213= (NM_001172435.2).
Identifiers: ClinVar variation 767100 (VCV000767100.19), dbSNP rs757688969, ClinGen allele CA1884583.